The following is an entry in ClinVar:

ClinVar aggregate classification (germline): Uncertain significance (1 of 4 stars; one submission).

Allele frequency attached by ClinVar (database versions not stated): gnomAD exomes below 0.00001.
gnomAD v4.1: 2 of 1,613,090 alleles (0.00012%); highest among the groups gnomAD compares: Non-Finnish European, 0.00017%; no homozygotes.

Submission:

Labcorp Genetics (formerly Invitae), Labcorp
Classification: Uncertain significance. Last evaluated: 2022-09-28. Review status: criteria provided, single submitter. Criteria: Invitae Variant Classification Sherloc (09022015). Collection method: clinical testing. Allele origin: germline.
Comment: This sequence change replaces glutamic acid, which is acidic and polar, with lysine, which is basic and polar, at codon 730 of the AHDC1 protein (p.Glu730Lys). This variant is not present in population databases (gnomAD no frequency). In summary, the available evidence is currently insufficient to determine the role of this variant in disease. Therefore, it has been classified as a Variant of Uncertain Significance. Algorithms developed to predict the effect of missense changes on protein structure and function are either unavailable or do not agree on the potential impact of this missense change (SIFT: "Deleterious"; PolyPhen-2: "Possibly Damaging"; Align-GVGD: "Class C0"). This variant has not been reported in the literature in individuals affected with AHDC1-related conditions.

NM_001371928.1(AHDC1):c.2188G>A (p.Glu730Lys)

Gene: AHDC1 (AT-hook DNA binding motif containing 1; minus strand). Cytogenetic location: 1p36.11.
Variant type: single nucleotide variant.
Coding change: c.2188G>A on transcript NM_001371928.1 (MANE Select); coding-DNA position 2188, G replaced by A.
Protein change: p.Glu730Lys; replaces glutamic acid 730 with lysine.
Molecular consequence: missense variant.
Genome position (GRCh38, 1-based): chr1:27,549,928, C>T on the plus strand (G>A on the coding strand, the complement: AHDC1 is on the minus strand). VCF-style: chr1-27549928-C-T. GRCh37 (hg19) VCF-style: chr1-27876439-C-T.
Other names: c.2188G>A, p.Glu730Lys (NM_001029882.3); short protein forms E730K.
Identifiers: ClinVar variation 1720631 (VCV001720631.5), dbSNP rs2019433712, ClinGen allele CA339232518.